The following is an entry in ClinVar:

ClinVar aggregate classification (germline): Pathogenic (1 of 4 stars; one submission).

Conditions:
Hereditary cancer-predisposing syndrome. Also called: Hereditary Cancer Syndrome; Neoplastic Syndromes, Hereditary; Tumor predisposition; Hereditary neoplastic syndrome. Identifiers: Orphanet 140162, MedGen C0027672, MeSH D009386, MONDO:0015356.

Submission:

Ambry Genetics
Classification: Pathogenic for Hereditary cancer-predisposing syndrome. Last evaluated: 2020-12-24. Review status: criteria provided, single submitter. Criteria: Ambry Variant Classification Scheme 2023. Collection method: clinical testing. Allele origin: germline.
Comment: The c.1196delA pathogenic mutation, located in coding exon 11 of the PMS2 gene, results from a deletion of one nucleotide at nucleotide position 1196, causing a translational frameshift with a predicted alternate stop codon (p.K399Sfs*8). This alteration is expected to result in loss of function by premature protein truncation or nonsense-mediated mRNA decay. As such, this alteration is interpreted as a disease-causing mutation.

NM_000535.7(PMS2):c.1196del (p.Lys399fs)

Gene: PMS2 (PMS1 homolog 2, mismatch repair system component; minus strand). Cytogenetic location: 7p22.1.
Variant type: Deletion.
Coding change: c.1196del on transcript NM_000535.7 (MANE Select); coding-DNA position 1196, one base deleted (A; older notation c.1196delA).
Protein change: p.Lys399fs; shifts the reading frame from lysine 399.
Molecular consequence: frameshift variant. On other transcripts: non-coding transcript variant (1).
Genome position (GRCh38, 1-based): chr7:5,987,569, T deleted on the plus strand (A on the coding strand, the reverse complement: PMS2 is on the minus strand); the first of 4 consecutive T bases (chr7:5,987,569-5,987,572); deleting any one gives the same sequence. VCF-style (leftmost placement, unchanged base first): chr7-5987568-CT-C. GRCh37 (hg19) VCF-style: chr7-6027199-CT-C.
Other names: c.788delA, p.Lys264Serfs (NM_001018040.1, NM_001406887.1, NM_001406888.1 and 13 more transcripts); c.791del, p.Lys264fs (NM_001322003.2, NM_001322004.2, NM_001322005.2 and 1 more transcripts); c.1040del, p.Lys347fs (NM_001322006.2); c.878del, p.Lys293fs (NM_001322007.2, NM_001322008.2); c.635del, p.Lys212fs (NM_001322010.2); c.263del, p.Lys88fs (NM_001322011.2, NM_001322012.2); c.623del, p.Lys208fs (NM_001322013.2); c.1196del, p.Lys399fs (NM_001322014.2); and 20 more; short protein forms K264fs, K347fs, K212fs, K293fs, K399fs, K208fs, K296fs, K88fs.
Identifiers: ClinVar variation 1746092 (VCV001746092.2), dbSNP rs1554298056, ClinGen allele CA2580076984.